The following is an entry in ClinVar:

ClinVar aggregate classification (germline): Uncertain significance (1 of 4 stars; one submission).

Conditions:
Cardiovascular phenotype. Identifiers: MedGen CN230736.

Submission:

Ambry Genetics
Classification: Uncertain significance for Cardiovascular phenotype. Last evaluated: 2024-10-07. Review status: criteria provided, single submitter. Criteria: Ambry Variant Classification Scheme 2023. Collection method: clinical testing. Allele origin: germline.
Comment: The p.R866G variant (also known as c.2596C>G), located in coding exon 18 of the DSP gene, results from a C to G substitution at nucleotide position 2596. The arginine at codon 866 is replaced by glycine, an amino acid with dissimilar properties. This amino acid position is conserved. In addition, the in silico prediction for this alteration is inconclusive. Based on the available evidence, the clinical significance of this variant remains unclear.

NM_004415.4(DSP):c.2596C>G (p.Arg866Gly)

Gene: DSP (desmoplakin; plus strand). Cytogenetic location: 6p24.3.
Variant type: single nucleotide variant.
Coding change: c.2596C>G on transcript NM_004415.4 (MANE Select); coding-DNA position 2596, C replaced by G.
Protein change: p.Arg866Gly; replaces arginine 866 with glycine.
Molecular consequence: missense variant.
Genome position (GRCh38, 1-based): chr6:7,575,454, C>G. VCF-style: chr6-7575454-C-G. GRCh37 (hg19) VCF-style: chr6-7575687-C-G.
Other names: c.2596C>G, p.Arg866Gly (NM_001008844.3, NM_001319034.2); short protein forms R866G.
Identifiers: ClinVar variation 3505501 (VCV003505501.1).